The following is an entry in ClinVar:

NM_177986.5(DSG4):c.*71A>G

Genes: DSG1-AS1 (DSG1 antisense RNA 1; minus strand), DSG4 (desmoglein 4; plus strand). Cytogenetic location: 18q12.1.
Variant type: single nucleotide variant.
Coding change: c.*71A>G on transcript NM_177986.5 (MANE Select); 71 bases downstream of the stop codon, A replaced by G.
Molecular consequence: 3 prime UTR variant.
Genome position (GRCh38, 1-based): chr18:31,413,666, A>G. VCF-style: chr18-31413666-A-G. GRCh37 (hg19) VCF-style: chr18-28993629-A-G.
Other names: c.*71A>G (NM_001134453.3).
Identifiers: ClinVar variation 889414 (VCV000889414.6), dbSNP rs57543172, ClinGen allele CA297704431.
Genomic context (GRCh38, chr18:31,413,666, plus strand): 5'-GTCAGTATTCTATGTGGAGACCTTGCACCTTGTAATCATCAATACATCCACCAAAAATAT[A>G]TAATGTACCATATATATTAATAGTCAACAAATACTCAGATATTCTAAGGTCAATGCCATT-3'

ClinVar aggregate classification (germline): Benign/Likely benign. Review status: criteria provided, multiple submitters, no conflicts (2 of 4 stars). 2 submissions from 2 submitters: Benign (1); Likely benign (1). Last evaluated 2018-11-11.

Conditions:
Hypotrichosis 6 (HYPT6). Also called: MONILETHRIX-LIKE HYPOTRICHOSIS; HYPOTRICHOSIS, LOCALIZED, AUTOSOMAL RECESSIVE 1. Identifiers: Orphanet 55654, MedGen C1842839, MONDO:0011932, OMIM 607903.

Allele frequency attached by ClinVar (database versions not stated): gnomAD exomes 0.00177; 1000 Genomes Project 0.01757; 1000 Genomes Project 30x 0.01765; gnomAD 0.01854 and 0.02014; TOPMed 0.02048.

Submissions (2):

GeneDx
Classification: Benign. Last evaluated: 2018-11-11. Review status: criteria provided, single submitter. Criteria: GeneDx Variant Classification Process June 2021. Collection method: clinical testing. Allele origin: germline. Affected: yes.

Illumina Laboratory Services, Illumina
Classification: Likely benign for Hypotrichosis 6. Last evaluated: 2017-04-28. Review status: criteria provided, single submitter. Criteria: ICSL Variant Classification Criteria 13 December 2019. Collection method: clinical testing. Allele origin: germline.
Comment: This variant was observed as part of a predisposition screen in an ostensibly healthy population. A literature search was performed for the gene, cDNA change, and amino acid change (where applicable). No publications were found based on this search. Allele frequency data from public databases allowed determination this variant is unlikely to cause disease. Therefore, this variant is classified as likely benign.